The following is an entry in ClinVar:

ClinVar aggregate classification (germline): Uncertain significance (1 of 4 stars; one submission).

Allele frequency attached by ClinVar (database versions not stated): gnomAD exomes below 0.00001.
gnomAD v4.1: 1 of 1,613,314 alleles (0.000062%); highest among the groups gnomAD compares: Non-Finnish European, 0.000085%; no homozygotes.

Submission:

Labcorp Genetics (formerly Invitae), Labcorp
Classification: Uncertain significance. Last evaluated: 2023-08-30. Review status: criteria provided, single submitter. Criteria: Invitae Variant Classification Sherloc (09022015). Collection method: clinical testing. Allele origin: germline.
Comment: This sequence change replaces glycine, which is neutral and non-polar, with aspartic acid, which is acidic and polar, at codon 554 of the COL9A3 protein (p.Gly554Asp). This variant is not present in population databases (gnomAD no frequency). This variant has not been reported in the literature in individuals affected with COL9A3-related conditions. Advanced modeling of protein sequence and biophysical properties (such as structural, functional, and spatial information, amino acid conservation, physicochemical variation, residue mobility, and thermodynamic stability) performed at Invitae indicates that this missense variant is expected to disrupt COL9A3 protein function. In summary, the available evidence is currently insufficient to determine the role of this variant in disease. Therefore, it has been classified as a Variant of Uncertain Significance.

NM_001853.4(COL9A3):c.1661G>A (p.Gly554Asp)

Gene: COL9A3 (collagen type IX alpha 3 chain; plus strand). Cytogenetic location: 20q13.33.
Variant type: single nucleotide variant.
Coding change: c.1661G>A on transcript NM_001853.4 (MANE Select); coding-DNA position 1661, G replaced by A.
Protein change: p.Gly554Asp; replaces glycine 554 with aspartic acid.
Molecular consequence: missense variant.
Genome position (GRCh38, 1-based): chr20:62,837,140, G>A. VCF-style: chr20-62837140-G-A. GRCh37 (hg19) VCF-style: chr20-61468492-G-A.
Other names: short protein forms G554D.
Identifiers: ClinVar variation 2756702 (VCV002756702.3), dbSNP rs2147229498, ClinGen allele CA409599189.